The following is an entry in ClinVar:

ClinVar aggregate classification (germline): Conflicting classifications of pathogenicity. Review status: criteria provided, conflicting classifications (1 of 4 stars). 16 submissions from 14 submitters: Uncertain significance (4); Benign (1); Likely benign (8). 3 of the submissions do not count toward it. Last evaluated 2026-02-01.

Conditions:
Age related macular degeneration 9. Identifiers: MedGen C1969651, MONDO:0012659, OMIM 611378.
Atypical hemolytic-uremic syndrome with C3 anomaly. Also called: AHUS, SUSCEPTIBILITY TO, 5. Identifiers: Orphanet 2134, MedGen C2752037, MONDO:0013043, OMIM 612925.
C3-related disorder. Also called: C3-related condition.
Complement component 3 deficiency. Identifiers: Orphanet 280133, MedGen C3151071, MONDO:0013417, OMIM 613779.
Atypical hemolytic-uremic syndrome. Identifiers: Orphanet 2134, MedGen C2931788, MONDO:0016244.

Allele frequency attached by ClinVar (database versions not stated): 1000 Genomes Project 0.00040; 1000 Genomes Project 30x 0.00047; ExAC 0.00110; gnomAD exomes 0.00118 and 0.00203; TOPMed 0.00149; ESP Exome Variant Server 0.00223.

Submissions (16):

CeGaT Center for Human Genetics Tuebingen
Classification: Likely benign. Last evaluated: 2026-02-01. Review status: criteria provided, single submitter. Criteria: CeGaT Center For Human Genetics Tuebingen Variant Classification Criteria Version 2. Collection method: clinical testing. Allele origin: germline. Affected: yes. Observed: 4 variant alleles.
Comment: C3: BP4

Labcorp Genetics (formerly Invitae), Labcorp
Classification: Likely benign. Last evaluated: 2026-01-26. Review status: criteria provided, single submitter. Criteria: Invitae Variant Classification Sherloc (09022015). Collection method: clinical testing. Allele origin: germline.

Genomenon, Inc
Classification: Likely benign for Atypical hemolytic-uremic syndrome. Last evaluated: 2025-09-30. Review status: criteria provided, single submitter. Criteria: Genomenon Sequence Variant Interpretation Standards. Collection method: curation. Allele origin: germline. Affected: yes.
Comment: C3 p.Ser1619Arg (c.4855A>C) is a missense variant that changes the amino acid at residue 1619 from Serine to Arginine. This variant has been observed in at least one proband affected with atypical hemolytic-uremic syndrome (PMID:23847193;28911789). Functional studies have been reported; however, the significance of the findings remain unclear (PMID:30131807). In silico models agree that this variant is not damaging. This variant’s allele frequency in gnomAD is greater than expected for this disorder. In conclusion, we classify C3 p.Ser1619Arg (c.4855A>C) as a likely benign variant.

Mayo Clinic Laboratories, Mayo Clinic
Classification: Likely benign. Last evaluated: 2025-09-15. Review status: criteria provided, single submitter. Criteria: ACMG Guidelines, 2015. Collection method: clinical testing. Allele origin: germline. Observed: 7 variant alleles.
Comment: BS3, BP4, PP2

Blueprint Genetics
Classification: Likely benign. Last evaluated: 2024-11-20. Review status: criteria provided, single submitter. Criteria: ACMG Guidelines, 2015. Collection method: clinical testing. Allele origin: germline.

Women's Health and Genetics/Laboratory Corporation of America, LabCorp
Classification: Likely benign. Last evaluated: 2023-12-22. Review status: criteria provided, single submitter. Criteria: LabCorp Variant Classification Summary - May 2015. Collection method: clinical testing. Allele origin: germline.
Comment: Variant summary: C3 c.4855A>C (p.Ser1619Arg) results in a non-conservative amino acid change located in the Netrin domain (IPR001134) of the encoded protein sequence. Three of five in-silico tools predict a benign effect of the variant on protein function. The variant allele was found at a frequency of 0.0019 in 1613968 control chromosomes, predominantly at a frequency of 0.0025 within the Non-Finnish European subpopulation in the gnomAD database, including 4 homozygotes. c.4855A>C has been reported in the literature in individuals affected with Hemolytic Uremic Syndrome (Bu_2014, Feng_2013), Glomerulopathy (Haydock_2022) and recurrent pregnancy loss (Mohlin_2018) without evidence for causality. These reports do not provide unequivocal conclusions about association of the variant with Hemolytic Uremic Syndrome. At least one publication reports experimental evidence evaluating an impact on protein function (Mohlin_2018). These results showed no damaging effect of this variant. The following publications have been ascertained in the context of this evaluation (PMID: 24029428, 23847193, 34714369, 30131807). Nine submitters have cited clinical-significance assessments for this variant to ClinVar after 2014and classified as benign/likely benign (n=5) and VUS (n=4). Based on the evidence outlined above, the variant was classified as likely benign.

Genetic Services Laboratory, University of Chicago
Classification: Likely benign. Last evaluated: 2021-12-17. Review status: criteria provided, single submitter. Criteria: ACMG Guidelines, 2015. Collection method: clinical testing. Allele origin: germline. Affected: no.

GeneDx
Classification: Uncertain significance. Last evaluated: 2019-12-18. Review status: criteria provided, single submitter. Criteria: GeneDx Variant Classification Process June 2021. Collection method: clinical testing. Allele origin: germline. Affected: yes.
Comment: Published functional studies demonstrate no significant impact on expression, secretion, hemolytic activity or other functional properties (Mohlin et al., 2018); In silico analysis, which includes protein predictors and evolutionary conservation, supports that this variant does not alter protein structure/function; This variant is associated with the following publications: (PMID: 23847193, 30131807, 29888403, 24029428, 24736606, 28852487, 28911789, 27939104, 27013439, 26638553)

Baylor Genetics
Classification: Uncertain significance for Complement component 3 deficiency. Last evaluated: 2018-03-01. Review status: criteria provided, single submitter. Criteria: ACMG Guidelines, 2015. Collection method: clinical testing. Allele origin: unknown. Affected: yes.
Comment: This variant was determined to be of uncertain significance according to ACMG Guidelines, 2015 [PMID:25741868].

Illumina Laboratory Services, Illumina
Classification: Uncertain significance for Complement component 3 deficiency. Last evaluated: 2018-01-13. Review status: criteria provided, single submitter. Criteria: ICSL Variant Classification Criteria 13 December 2019. Collection method: clinical testing. Allele origin: germline.

Illumina Laboratory Services, Illumina
Classification: Benign for Atypical hemolytic-uremic syndrome with C3 anomaly. Last evaluated: 2018-01-13. Review status: criteria provided, single submitter. Criteria: ICSL Variant Classification Criteria 13 December 2019. Collection method: clinical testing. Allele origin: germline.
Comment: This variant was observed in the ICSL laboratory as part of a predisposition screen in an ostensibly healthy population. It had not been previously curated by ICSL or reported in the Human Gene Mutation Database (HGMD: prior to June 1st, 2018), and was therefore a candidate for classification through an automated scoring system. Utilizing variant allele frequency, disease prevalence and penetrance estimates, and inheritance mode, an automated score was calculated to assess if this variant is too frequent to cause the disease. Based on the score and internal cut-off values, a variant classified as benign is not then subjected to further curation. The score for this variant resulted in a classification of benign for this disease.

Illumina Laboratory Services, Illumina
Classification: Likely benign for Age related macular degeneration 9. Last evaluated: 2018-01-13. Review status: criteria provided, single submitter. Criteria: ICSL Variant Classification Criteria 13 December 2019. Collection method: clinical testing. Allele origin: germline.
Comment: This variant was observed in the ICSL laboratory as part of a predisposition screen in an ostensibly healthy population. It had not been previously curated by ICSL or reported in the Human Gene Mutation Database (HGMD: prior to June 1st, 2018), and was therefore a candidate for classification through an automated scoring system. Utilizing variant allele frequency, disease prevalence and penetrance estimates, and inheritance mode, an automated score was calculated to assess if this variant is too frequent to cause the disease. Based on the score and internal cut-off values, a variant classified as likely benign is not then subjected to further curation. The score for this variant resulted in a classification of likely benign for this disease.

Center for Genomics, Ann and Robert H. Lurie Children's Hospital of Chicago
Classification: Uncertain significance for Complement component 3 deficiency; Atypical hemolytic-uremic syndrome with C3 anomaly; Age related macular degeneration 9. Review status: criteria provided, single submitter. Criteria: ACMG Guidelines, 2015. Collection method: clinical testing. Allele origin: germline.
Comment: C3 NM_000064.3 exon 41 p.Ser1619Arg (c.4855A>C): This variant has been reported in the literature in at least 1 individual with atypical hemolytic uremic syndrome (aHUS) (Feng 2013 PMID:23847193, Bu 2014 PMID:24029428) as well as recurrent pregnancy loss (Mohlin 2018 PMID:30131807). This variant has also been reported in individuals with age-related macular degeneration; however, at least 1 of these publications suggest that this variant may not be associated with this presentation (Duvvari 2014 PMID:24736606, Geerlings 2018 PMID:29888403). This variant is present in 0.2% (278/129150) of European alleles including 1 homozygote in the Genome Aggregation Database. This variant is present in ClinVar (Variation ID:330271). This variant amino acid Arginine (Arg) is present in 4 species (Squirrel, Pika, Ferret, Cavefish) and is not well conserved among evolutionarily distant species; this suggests that this variant may not impact the protein. Additional computational prediction tools do not suggest an impact. In summary, data on this variant is insufficient for disease classification. Therefore, the clinical significance of this variant is uncertain.

PreventionGenetics, part of Exact Sciences
Classification: Uncertain significance for C3-related condition. Last evaluated: 2024-07-02. Review status: no assertion criteria provided. Collection method: clinical testing. Allele origin: germline. Not counted in ClinVar's aggregate classification.
Comment: The C3 c.4855A>C variant is predicted to result in the amino acid substitution p.Ser1619Arg. This variant has been reported in individuals in the heterozygous state, and along with the CFH c.3583G>T (p.Glu1195X) variant, with atypical hemolytic uremic syndrome (Supplemental Table 2, Patient 11, Bu et al. 2013. PubMed ID: 24029428; Patient ID MA-7, Feng et al. 2013. PubMed ID: 23847193; Dowen et al. 2017. PubMed ID: 28852487; Table S3, Geerlings et al. 2018. PubMed ID: 29888403; Huerta et al. 2018. PubMed ID: 28911789). This variant has also been reported in the heterozygous state in individuals with age-related macular degeneration (AMD) (Duvvari et al. 2014. PubMed ID: 24736606; Huerta et al. 2018. PubMed ID: 28911789, Table S3, Geerlings et al. 2018. PubMed ID: 29888403) and in an individual with spontaneous pregnancy loss (Mohlin et al. 2018. PubMed ID: 30131807). Of note, this variant was also reported in control populations (Duvvari et al. 2014. PubMed ID: 24736606; Huerta et al. 2018. PubMed ID: 28911789; Mohlin et al. 2018. PubMed ID: 30131807). This variant is reported in 0.22% of alleles in individuals, including one homozygote, of European (Non-Finnish) descent in gnomAD and has conflicting interpretations regarding it pathogenicity in ClinVar, ranging from uncertain significance to likely benign to benign. While this variant may be benign, at this time, the clinical significance of this variant is uncertain due to the absence of conclusive functional and genetic evidence.

Clinical Genetics DNA and cytogenetics Diagnostics Lab, Erasmus MC, Erasmus Medical Center
Classification: Likely benign. Review status: no assertion criteria provided. Collection method: clinical testing. Allele origin: germline. Affected: yes. Study: VKGL Data-share Consensus. Not counted in ClinVar's aggregate classification.

Diagnostic Laboratory, Department of Genetics, University Medical Center Groningen
Classification: Likely benign. Review status: no assertion criteria provided. Collection method: clinical testing. Allele origin: germline. Affected: yes. Study: VKGL Data-share Consensus. Not counted in ClinVar's aggregate classification.

Literature cited by the submitters: PubMed 23847193 (cited by Genomenon, Inc and Women's Health and Genetics/Laboratory Corporation of America, LabCorp); PubMed 28911789 (cited by Genomenon, Inc); PubMed 30131807 (cited by Genomenon, Inc and Women's Health and Genetics/Laboratory Corporation of America, LabCorp); PubMed 29888403 (cited by Mayo Clinic Laboratories, Mayo Clinic); PubMed 34714369 (cited by Women's Health and Genetics/Laboratory Corporation of America, LabCorp); PubMed 24029428 (cited by Women's Health and Genetics/Laboratory Corporation of America, LabCorp).

NM_000064.4(C3):c.4855A>C (p.Ser1619Arg)

Gene: C3 (complement C3; minus strand). Cytogenetic location: 19p13.3.
Variant type: single nucleotide variant.
Coding change: c.4855A>C on transcript NM_000064.4 (MANE Select); coding-DNA position 4855, A replaced by C.
Protein change: p.Ser1619Arg; replaces serine 1619 with arginine.
Molecular consequence: missense variant.
Genome position (GRCh38, 1-based): chr19:6,678,019, T>G on the plus strand (A>C on the coding strand, the complement: C3 is on the minus strand). VCF-style: chr19-6678019-T-G. GRCh37 (hg19) VCF-style: chr19-6678030-T-G.
Other names: c.4855A>C (LRG_27t1); short protein forms S1619R.
Identifiers: ClinVar variation 330271 (VCV000330271.66), dbSNP rs2230210, ClinGen allele CA9128209.